The following is an entry in ClinVar:

ClinVar aggregate classification (germline): Uncertain significance. Review status: criteria provided, multiple submitters, no conflicts (2 of 4 stars). 2 submissions from 2 submitters: Uncertain significance (2). Last evaluated 2026-05-11.

Allele frequency attached by ClinVar (database versions not stated): gnomAD 0.00001; TOPMed 0.00001.
gnomAD v4.1: 8 of 1,613,510 alleles (0.0005%); highest among the groups gnomAD compares: East Asian, 0.0022%; no homozygotes.

Submissions (2):

Ambry Genetics
Classification: Uncertain significance. Last evaluated: 2026-05-11. Review status: criteria provided, single submitter. Criteria: Ambry Variant Classification Scheme 2023. Collection method: clinical testing. Allele origin: germline.
Comment: The c.2579C>T (p.A860V) alteration is located in exon 23 (coding exon 23) of the CLCN6 gene. This alteration results from a C to T substitution at nucleotide position 2579, causing the alanine (A) at amino acid position 860 to be replaced by a valine (V). Based on data from gnomAD, the T allele has an overall frequency of <0.001% (0/249302) total alleles studied. The highest observed frequency was <0.001% (/) of alleles. Based on insufficient or conflicting evidence, the clinical significance of this alteration remains unclear.

Labcorp Genetics (formerly Invitae), Labcorp
Classification: Uncertain significance. Last evaluated: 2025-10-15. Review status: criteria provided, single submitter. Criteria: Invitae Variant Classification Sherloc (09022015). Collection method: clinical testing. Allele origin: germline.
Comment: This sequence change replaces alanine, which is neutral and non-polar, with valine, which is neutral and non-polar, at codon 860 of the CLCN6 protein (p.Ala860Val). This variant is not present in population databases (gnomAD no frequency). This variant has not been reported in the literature in individuals affected with CLCN6-related conditions. ClinVar contains an entry for this variant (Variation ID: 1395734). An algorithm developed to predict the effect of missense changes on protein structure and function (PolyPhen-2) suggests that this variant is likely to be tolerated. In summary, the available evidence is currently insufficient to determine the role of this variant in disease. Therefore, it has been classified as a Variant of Uncertain Significance.

NM_001286.5(CLCN6):c.2579C>T (p.Ala860Val)

Gene: CLCN6 (Cl-/H+ antiporter 6; plus strand). Cytogenetic location: 1p36.22.
Variant type: single nucleotide variant.
Coding change: c.2579C>T on transcript NM_001286.5 (MANE Select); coding-DNA position 2579, C replaced by T.
Protein change: p.Ala860Val; replaces alanine 860 with valine.
Molecular consequence: missense variant. On other transcripts: non-coding transcript variant (1).
Genome position (GRCh38, 1-based): chr1:11,840,192, C>T. VCF-style: chr1-11840192-C-T. GRCh37 (hg19) VCF-style: chr1-11900249-C-T.
Other names: c.2513C>T, p.Ala838Val (NM_001256959.2); c.2579C>T (NM_001286.2); short protein forms A838V, A860V.
Identifiers: ClinVar variation 1395734 (VCV001395734.9), dbSNP rs750419208, ClinGen allele CA18005530.